The following is an entry in ClinVar:

NM_001378452.1(ITPR1):c.5363C>G (p.Ser1788Cys)

Gene: ITPR1 (inositol 1,4,5-trisphosphate receptor type 1; plus strand). Cytogenetic location: 3p26.1.
Variant type: single nucleotide variant.
Coding change: c.5363C>G on transcript NM_001378452.1 (MANE Select); coding-DNA position 5363, C replaced by G.
Protein change: p.Ser1788Cys; replaces serine 1788 with cysteine.
Molecular consequence: missense variant.
Genome position (GRCh38, 1-based): chr3:4,735,173, C>G. VCF-style: chr3-4735173-C-G. GRCh37 (hg19) VCF-style: chr3-4776857-C-G.
Other names: c.5219C>G, p.Ser1740Cys (NM_001099952.4); c.5318C>G, p.Ser1773Cys (NM_001168272.2); c.5174C>G, p.Ser1725Cys (NM_002222.7); short protein forms S1740C, S1725C, S1773C, S1788C.
Identifiers: ClinVar variation 2847976 (VCV002847976.3), dbSNP rs868323338, ClinGen allele CA351638882.
Genomic context (GRCh38, chr3:4,735,173, plus strand): 5'-ACATTAGCTGTTCTGATTGTGCTTAGTAAAAACAATATTCCATCTTCTTAGGGGGAGGTT[C>G]CGGATCCAGCTCTATGAGCAGGGGTGAGATGAGTCTGGCCGAGGTTCAGTGTCACCTTGA-3'
Protein context (NP_001365381.1, residues 1778-1798): PGKPGGGGGG[Ser1788Cys]GSSSMSRGEM

ClinVar aggregate classification (germline): Uncertain significance (1 of 4 stars; one submission).

gnomAD v4.1: 2 of 1,612,624 alleles (0.00012%); highest among the groups gnomAD compares: Admixed American, 0.0017%; no homozygotes.

Submission:

Labcorp Genetics (formerly Invitae), Labcorp
Classification: Uncertain significance. Last evaluated: 2023-09-29. Review status: criteria provided, single submitter. Criteria: Invitae Variant Classification Sherloc (09022015). Collection method: clinical testing. Allele origin: germline.
Comment: This sequence change replaces serine, which is neutral and polar, with cysteine, which is neutral and slightly polar, at codon 1725 of the ITPR1 protein (p.Ser1725Cys). This variant is present in population databases (no rsID available, gnomAD 0.003%). This variant has not been reported in the literature in individuals affected with ITPR1-related conditions. Advanced modeling of protein sequence and biophysical properties (such as structural, functional, and spatial information, amino acid conservation, physicochemical variation, residue mobility, and thermodynamic stability) performed at Invitae indicates that this missense variant is not expected to disrupt ITPR1 protein function. In summary, the available evidence is currently insufficient to determine the role of this variant in disease. Therefore, it has been classified as a Variant of Uncertain Significance.